The following is an entry in ClinVar:

ClinVar aggregate classification (germline): Pathogenic (1 of 4 stars; one submission).

Conditions:
Biotinidase deficiency. Also called: BTD deficiency; Late-onset biotin-responsive multiple carboxylase deficiency; Biotin deficiency. Identifiers: Orphanet 79241, MedGen C0220754, MONDO:0009665, OMIM 253260.

Submission:

Labcorp Genetics (formerly Invitae), Labcorp
Classification: Pathogenic for Biotinidase deficiency. Last evaluated: 2022-07-08. Review status: criteria provided, single submitter. Criteria: Invitae Variant Classification Sherloc (09022015). Collection method: clinical testing. Allele origin: germline.
Comment: For these reasons, this variant has been classified as Pathogenic. This variant has not been reported in the literature in individuals affected with BTD-related conditions. A gross deletion of the genomic region encompassing the full coding sequence of the BTD gene has been identified. Loss-of-function variants in BTD are known to be pathogenic (PMID: 20083419). The boundaries of this event are unknown as they extend beyond the assayed region for this gene and therefore may encompass additional genes.

Literature cited by the submitters: PubMed 20083419.

NC_000003.11:g.(?_15512023)_(15687154_?)del

Genes: BTD (biotinidase; plus strand), COLQ (collagen like tail subunit of asymmetric acetylcholinesterase; minus strand), HACL1 (2-hydroxyacyl-CoA lyase 1; minus strand). Cytogenetic location: 3p25.1.
Variant type: Deletion.
Identifiers: ClinVar variation 2422279 (VCV002422279.5).